The following is an entry in ClinVar:

NM_001367624.2(ZNF469):c.845G>A (p.Gly282Glu)

Gene: ZNF469 (zinc finger protein 469; plus strand). Cytogenetic location: 16q24.2.
Variant type: single nucleotide variant.
Coding change: c.845G>A on transcript NM_001367624.2 (MANE Select); coding-DNA position 845, G replaced by A.
Protein change: p.Gly282Glu; replaces glycine 282 with glutamic acid.
Molecular consequence: missense variant.
Genome position (GRCh38, 1-based): chr16:88,428,315, G>A. VCF-style: chr16-88428315-G-A. GRCh37 (hg19) VCF-style: chr16-88494723-G-A.
Other names: NM_001127464.1:c.845G>A; NM_001127464.2:c.845G>A; short protein forms G282E.
Identifiers: ClinVar variation 1203362 (VCV001203362.17), dbSNP rs757999676, ClinGen allele CA8224631.

ClinVar aggregate classification (germline): Conflicting classifications of pathogenicity. Review status: criteria provided, conflicting classifications (1 of 4 stars). 6 submissions from 6 submitters: Uncertain significance (5); Likely benign (1). Last evaluated 2026-07-16.

Conditions:
Cardiovascular phenotype. Identifiers: MedGen CN230736.
Ehlers-Danlos syndrome (EDS). Identifiers: Orphanet 98249, MedGen C0013720, MONDO:0020066.
ZNF469-related disorder. Also called: ZNF469-related condition.

Allele frequency attached by ClinVar (database versions not stated): 1000 Genomes Project 30x 0.00016; ExAC 0.00017; gnomAD exomes 0.00022 and 0.00065; TOPMed 0.00023; gnomAD 0.00027 and 0.00029.
gnomAD v4.1: 934 of 1,550,216 alleles (0.06%); highest among the groups gnomAD compares: Non-Finnish European, 0.078%; no homozygotes.

Submissions (6):

GeneDx
Classification: Uncertain significance. Last evaluated: 2026-07-16. Review status: criteria provided, single submitter. Criteria: GeneDx Variant Classification Process June 2021. Collection method: clinical testing. Allele origin: germline.
Comment: In silico analysis suggests that this missense variant does not alter protein structure/function; Has not been previously published as pathogenic or benign to our knowledge

PreventionGenetics, part of Exact Sciences
Classification: Uncertain significance for ZNF469-related condition. Last evaluated: 2024-12-26. Review status: criteria provided, single submitter. Criteria: ACMG Guidelines, 2015. Collection method: clinical testing. Allele origin: germline.
Comment: The ZNF469 c.845G>A variant is predicted to result in the amino acid substitution p.Gly282Glu. To our knowledge, this variant has not been reported in the literature. This variant is reported in 0.046% of alleles in individuals of European (Non-Finnish) descent in gnomAD. At this time, the clinical significance of this variant is uncertain due to the absence of conclusive functional and genetic evidence.

Women's Health and Genetics/Laboratory Corporation of America, LabCorp
Classification: Uncertain significance. Last evaluated: 2023-06-19. Review status: criteria provided, single submitter. Criteria: LabCorp Variant Classification Summary - May 2015. Collection method: clinical testing. Allele origin: germline.
Comment: Variant summary: ZNF469 c.845G>A (p.Gly282Glu) results in a non-conservative amino acid change in the encoded protein sequence. Four of five in-silico tools predict a benign effect of the variant on protein function. The variant allele was found at a frequency of 0.00022 (i.e., 34 heterozygotes) in 152750 control chromosomes, predominantly at a frequency of 0.00054 within the Non-Finnish European subpopulation in the gnomAD database (v2.1, Exomes dataset). This frequency is not significantly higher than estimated for a pathogenic variant in ZNF469 causing Brittle Cornea Syndrome 1 (0.00022 vs 0.0011), allowing no conclusion about variant significance. To our knowledge, no occurrence of c.845G>A in individuals affected with Brittle Cornea Syndrome 1 and no experimental evidence demonstrating its impact on protein function have been reported. Four submitters have submitted clinical-significance assessments for this variant to ClinVar after 2014 with conflicting assessments: three submitters classified the variant as VUS, and one submitter classified the variant as likely benign. Based on the evidence outlined above, the variant was classified as uncertain significance.

Ambry Genetics
Classification: Likely benign for Cardiovascular phenotype. Last evaluated: 2023-03-13. Review status: criteria provided, single submitter. Criteria: Ambry Variant Classification Scheme 2023. Collection method: clinical testing. Allele origin: germline.

Labcorp Genetics (formerly Invitae), Labcorp
Classification: Uncertain significance. Last evaluated: 2022-08-15. Review status: criteria provided, single submitter. Criteria: Invitae Variant Classification Sherloc (09022015). Collection method: clinical testing. Allele origin: germline.
Comment: This sequence change replaces glycine, which is neutral and non-polar, with glutamic acid, which is acidic and polar, at codon 282 of the ZNF469 protein (p.Gly282Glu). This variant is present in population databases (rs757999676, gnomAD 0.05%). This variant has not been reported in the literature in individuals affected with ZNF469-related conditions. ClinVar contains an entry for this variant (Variation ID: 1203362). Algorithms developed to predict the effect of missense changes on protein structure and function (SIFT, PolyPhen-2, Align-GVGD) all suggest that this variant is likely to be tolerated. In summary, the available evidence is currently insufficient to determine the role of this variant in disease. Therefore, it has been classified as a Variant of Uncertain Significance.

Genome Diagnostics Laboratory, The Hospital for Sick Children
Classification: Uncertain significance for Ehlers-Danlos syndrome. Last evaluated: 2021-09-22. Review status: criteria provided, single submitter. Criteria: ACMG Guidelines, 2015. Collection method: clinical testing. Allele origin: germline.